The following is an entry in ClinVar:

ClinVar aggregate classification (germline): Uncertain significance. Review status: criteria provided, multiple submitters, no conflicts (2 of 4 stars). 5 submissions from 5 submitters: Uncertain significance (5). Last evaluated 2023-10-04.

Conditions:
Hereditary cancer-predisposing syndrome. Also called: Neoplastic Syndromes, Hereditary; Hereditary Cancer Syndrome; Tumor predisposition; Hereditary neoplastic syndrome. Identifiers: Orphanet 140162, MedGen C0027672, MeSH D009386, MONDO:0015356.
Hereditary breast ovarian cancer syndrome. Also called: Hereditary breast and ovarian cancer syndrome; Hereditary breast and ovarian cancer syndrome (HBOC); Hereditary breast and/or ovarian cancer syndrome; Hereditary breast and ovarian cancer; Breast and ovarian cancer; BRCA1- and BRCA2-Associated Hereditary Breast and Ovarian Cancer. Identifiers: Orphanet 145, MedGen C0677776, MeSH D061325, MONDO:0003582. Disease mechanism: loss of function.

Allele frequency attached by ClinVar (database versions not stated): TOPMed below 0.00001.

Submissions (5):

Labcorp Genetics (formerly Invitae), Labcorp
Classification: Uncertain significance for Hereditary breast ovarian cancer syndrome. Last evaluated: 2023-10-04. Review status: criteria provided, single submitter. Criteria: Invitae Variant Classification Sherloc (09022015). Collection method: clinical testing. Allele origin: germline.
Comment: This sequence change replaces arginine, which is basic and polar, with serine, which is neutral and polar, at codon 155 of the BRCA2 protein (p.Arg155Ser). This variant is not present in population databases (gnomAD no frequency). This variant has not been reported in the literature in individuals affected with BRCA2-related conditions. ClinVar contains an entry for this variant (Variation ID: 928772). Advanced modeling of protein sequence and biophysical properties (such as structural, functional, and spatial information, amino acid conservation, physicochemical variation, residue mobility, and thermodynamic stability) performed at Invitae indicates that this missense variant is not expected to disrupt BRCA2 protein function. In summary, the available evidence is currently insufficient to determine the role of this variant in disease. Therefore, it has been classified as a Variant of Uncertain Significance.

Color Diagnostics, LLC DBA Color Health
Classification: Uncertain significance for Hereditary cancer-predisposing syndrome. Last evaluated: 2021-12-15. Review status: criteria provided, single submitter. Criteria: ACMG Guidelines, 2015. Collection method: clinical testing. Allele origin: germline.
Comment: This missense variant replaces arginine with serine at codon 155 of the BRCA2 protein. Computational prediction suggests that this variant may not impact protein structure and function (internally defined REVEL score threshold <= 0.5, PMID: 27666373). To our knowledge, functional studies have not been reported for this variant. This variant has not been reported in individuals affected with hereditary cancer in the literature. This variant has not been identified in the general population by the Genome Aggregation Database (gnomAD). The available evidence is insufficient to determine the role of this variant in disease conclusively. Therefore, this variant is classified as a Variant of Uncertain Significance.

Ambry Genetics
Classification: Uncertain significance for Hereditary cancer-predisposing syndrome. Last evaluated: 2020-10-19. Review status: criteria provided, single submitter. Criteria: Ambry Variant Classification Scheme 2023. Collection method: clinical testing. Allele origin: germline.
Comment: The p.R155S variant (also known as c.465A>T), located in coding exon 4 of the BRCA2 gene, results from an A to T substitution at nucleotide position 465. The arginine at codon 155 is replaced by serine, an amino acid with dissimilar properties. This amino acid position is well conserved in available vertebrate species. In addition, this alteration is predicted to be tolerated by in silico analysis. Since supporting evidence is limited at this time, the clinical significance of this alteration remains unclear.

GeneDx
Classification: Uncertain significance. Last evaluated: 2019-12-16. Review status: criteria provided, single submitter. Criteria: GeneDx Variant Classification Process June 2021. Collection method: clinical testing. Allele origin: germline. Affected: yes.
Comment: Not observed in large population cohorts (Lek 2016); In silico analysis, which includes protein predictors and evolutionary conservation, supports that this variant does not alter protein structure/function; Has not been previously published as pathogenic or benign to our knowledge; Also known as 693A>T

Women's Health and Genetics/Laboratory Corporation of America, LabCorp
Classification: Uncertain significance. Last evaluated: 2019-02-08. Review status: criteria provided, single submitter. Criteria: LabCorp Variant Classification Summary - May 2015. Collection method: clinical testing. Allele origin: germline.
Comment: Variant summary: BRCA2 c.465A>T (p.Arg155Ser) results in a non-conservative amino acid change in the encoded protein sequence. Three of five in-silico tools predict a benign effect of the variant on protein function. The variant was absent in 246034 control chromosomes (gnomAD). The available data on variant occurrences in the general population are insufficient to allow any conclusion about variant significance. To our knowledge, no occurrence of c.465A>T in individuals affected with Hereditary Breast and Ovarian Cancer and no experimental evidence demonstrating its impact on protein function have been reported. No clinical diagnostic laboratories have submitted clinical-significance assessments for this variant to ClinVar after 2014. Based on the evidence outlined above, the variant was classified as uncertain significance.

NM_000059.4(BRCA2):c.465A>T (p.Arg155Ser)

Gene: BRCA2 (BRCA2 DNA repair associated; plus strand). Cytogenetic location: 13q13.1.
Variant type: single nucleotide variant.
Coding change: c.465A>T on transcript NM_000059.4 (MANE Select); coding-DNA position 465, A replaced by T.
Protein change: p.Arg155Ser; replaces arginine 155 with serine.
Molecular consequence: missense variant.
Genome position (GRCh38, 1-based): chr13:32,326,140, A>T. VCF-style: chr13-32326140-A-T. GRCh37 (hg19) VCF-style: chr13-32900277-A-T.
Other names: short protein forms R155S.
Identifiers: ClinVar variation 928772 (VCV000928772.16), dbSNP rs1228857437, ClinGen allele CA387757188.